The following is an entry in ClinVar:

ClinVar aggregate classification (germline): Pathogenic/Likely pathogenic. Review status: criteria provided, multiple submitters, no conflicts (2 of 4 stars). 7 submissions from 7 submitters: Pathogenic (3); Likely pathogenic (1). 3 of the submissions do not count toward it. Last evaluated 2025-01-06.

Conditions:
NPHS1-related disorder. Also called: NPHS1-related condition.
Finnish congenital nephrotic syndrome (NPHS1). Also called: NEPHROTIC SYNDROME, TYPE 1. Identifiers: Orphanet 839, MedGen C0403399, MONDO:0009732, OMIM 256300.

Allele frequency attached by ClinVar (database versions not stated): gnomAD exomes below 0.00001 and 0.00001.

Submissions (7):

Mayo Clinic Laboratories, Mayo Clinic
Classification: Pathogenic. Last evaluated: 2025-01-06. Review status: criteria provided, single submitter. Criteria: ACMG Guidelines, 2015. Collection method: clinical testing. Allele origin: germline. Observed: 1 variant allele.
Comment: PM2_supporting, PM3, PVS1

Blueprint Genetics
Classification: Pathogenic for NPHS1-related disorders. Last evaluated: 2024-08-01. Review status: criteria provided, single submitter. Criteria: ACMG Guidelines, 2015. Collection method: clinical testing. Allele origin: germline. Affected: yes. Observed: 3 variant alleles.

Labcorp Genetics (formerly Invitae), Labcorp
Classification: Pathogenic. Last evaluated: 2024-01-19. Review status: criteria provided, single submitter. Criteria: Invitae Variant Classification Sherloc (09022015). Collection method: clinical testing. Allele origin: germline.
Comment: This sequence change creates a premature translational stop signal (p.Val437Thrfs*2) in the NPHS1 gene. It is expected to result in an absent or disrupted protein product. Loss-of-function variants in NPHS1 are known to be pathogenic (PMID: 11317351, 11854170, 12039988). This variant is present in population databases (rs386833878, gnomAD 0.0009%). This premature translational stop signal has been observed in individual(s) with congenital nephrotic syndrome (PMID: 9660941). This variant is also known as nt1306(ins2). ClinVar contains an entry for this variant (Variation ID: 56436). For these reasons, this variant has been classified as Pathogenic.

Women's Health and Genetics/Laboratory Corporation of America, LabCorp
Classification: Likely pathogenic for Finnish congenital nephrotic syndrome. Last evaluated: 2018-02-12. Review status: criteria provided, single submitter. Criteria: LabCorp Variant Classification Summary - May 2015. Collection method: clinical testing. Allele origin: germline.
Comment: Variant summary: NPHS1 c.1307_1308dupAC (p.Val437ThrfsX2) results in a premature termination codon, predicted to cause a truncation of the encoded protein or absence of the protein due to nonsense mediated decay, which are commonly known mechanisms for disease. Truncations downstream of this position have been classified as pathogenic by our laboratory (e.g. c.2541delT (p.Lys848fsX57), c.3325C>T (p.Arg1109X), c.3478C>T (p.Arg1160X)). The variant allele was found at a frequency of 4.1e-06 in 246230 control chromosomes, which does not exceed the maximal expected allele frequency for a pathogenic mutation in NPHS1. The c.1307_1308dupAC variant has been reported in the literature in individuals affected with Nephrotic Syndrome, Type 1 (Sadowski 2015), including one homozygous patient (Kestila 1998). These data indicate that the variant may be associated with disease. To our knowledge, no experimental evidence demonstrating an impact on protein function has been reported. One clinical diagnostic laboratory has submitted clinical-significance assessments for this variant to ClinVar after 2014 without evidence for independent evaluation, and classified the variant as likely pathogenic. Based on the evidence outlined above, the variant was classified as likely pathogenic.

Counsyl
Classification: Likely pathogenic for Finnish congenital nephrotic syndrome. Last evaluated: 2016-05-03. Review status: no assertion criteria provided. Collection method: clinical testing. Allele origin: unknown. Not counted in ClinVar's aggregate classification.

OMIM
Classification: Pathogenic for NEPHROTIC SYNDROME, TYPE 1. Last evaluated: 1998-03-01. Review status: no assertion criteria provided. Collection method: literature only. Allele origin: germline. Not counted in ClinVar's aggregate classification.

Juha Muilu Group; Institute for Molecular Medicine Finland (FIMM)
Classification: Likely pathogenic for Finnish congenital nephrotic syndrome. Review status: no assertion criteria provided. Collection method: not provided. Allele origin: unknown. Not counted in ClinVar's aggregate classification.
Comment: FinDis database variant: This variant was not found or characterized by our laboratory, data were collected from public sources: see reference
ClinVar note: Converted during submission from probable-pathogenic to Likely pathogenic.

Literature cited by the submitters: PubMed 25349199 (cited by Mayo Clinic Laboratories, Mayo Clinic); PubMed 9660941 (cited by 4 submitters); PubMed 11317351 (cited by Labcorp Genetics (formerly Invitae), Labcorp); PubMed 11854170 (cited by Labcorp Genetics (formerly Invitae), Labcorp); PubMed 12039988 (cited by Labcorp Genetics (formerly Invitae), Labcorp); PubMed 20507940 (cited by Women's Health and Genetics/Laboratory Corporation of America, LabCorp); PubMed 18503012 (cited by Women's Health and Genetics/Laboratory Corporation of America, LabCorp and Counsyl).

NM_004646.4(NPHS1):c.1307_1308dup (p.Val437fs)

Gene: NPHS1 (NPHS1 adhesion molecule, nephrin; minus strand). Cytogenetic location: 19q13.12.
Variant type: Duplication.
Coding change: c.1307_1308dup on transcript NM_004646.4 (MANE Select); coding-DNA positions 1307 to 1308, 2 bases duplicated (AC; older notation c.1307_1308dupAC).
Protein change: p.Val437fs; shifts the reading frame from valine 437.
Molecular consequence: frameshift variant.
Genome position (GRCh38, 1-based): chr19:35,848,260-35,848,261, GT duplicated on the plus strand (AC on the coding strand, the reverse complement: NPHS1 is on the minus strand). VCF-style (leftmost placement, unchanged base first): chr19-35848259-C-CGT. GRCh37 (hg19) VCF-style: chr19-36339161-C-CGT.
Other names: p.Val437Thrfs*2; c.1307_1308dupAC (NM_004646.3); c.1307_1308dup (NM_004646.3); short protein forms V437fs.
Identifiers: ClinVar variation 56436 (VCV000056436.15), dbSNP rs386833878, ClinGen allele CA250115.